The following is an entry in ClinVar:

ClinVar aggregate classification (germline): Uncertain significance (1 of 4 stars; one submission).

Conditions:
Hypertrophic cardiomyopathy. Also called: HYPERTROPHIC MYOCARDIOPATHY. Identifiers: Orphanet 217569, MedGen C0007194, MeSH D002312, MONDO:0005045, HP:0001639.

gnomAD v4.1: 1 of 1,613,882 alleles (0.000062%); highest among the groups gnomAD compares: African/African-American, 0.0013%; no homozygotes.

Submission:

Labcorp Genetics (formerly Invitae), Labcorp
Classification: Uncertain significance for Hypertrophic cardiomyopathy. Last evaluated: 2025-08-31. Review status: criteria provided, single submitter. Criteria: Invitae Variant Classification Sherloc (09022015). Collection method: clinical testing. Allele origin: germline.
Comment: This sequence change replaces glycine, which is neutral and non-polar, with arginine, which is basic and polar, at codon 126 of the MYOM1 protein (p.Gly126Arg). This variant is present in population databases (no rsID available, gnomAD 0.007%). This variant has not been reported in the literature in individuals affected with MYOM1-related conditions. An algorithm developed to predict the effect of missense changes on protein structure and function (PolyPhen-2) suggests that this variant is likely to be tolerated. In summary, the available evidence is currently insufficient to determine the role of this variant in disease. Therefore, it has been classified as a Variant of Uncertain Significance.

NM_003803.4(MYOM1):c.376G>A (p.Gly126Arg)

Gene: MYOM1 (myomesin 1; minus strand). Cytogenetic location: 18p11.31.
Variant type: single nucleotide variant.
Coding change: c.376G>A on transcript NM_003803.4 (MANE Select); coding-DNA position 376, G replaced by A.
Protein change: p.Gly126Arg; replaces glycine 126 with arginine.
Molecular consequence: missense variant.
Genome position (GRCh38, 1-based): chr18:3,193,873, C>T on the plus strand (G>A on the coding strand, the complement: MYOM1 is on the minus strand). VCF-style: chr18-3193873-C-T. GRCh37 (hg19) VCF-style: chr18-3193871-C-T.
Other names: c.376G>A, p.Gly126Arg (NM_019856.2); short protein forms G126R.
Identifiers: ClinVar variation 4754533 (VCV004754533.1).
Genomic context (GRCh38, chr18:3,193,873, plus strand): 5'-CTCACCGTCCTGAGAAAATGGGTACCATGTAGTCACTGGGCAAATTTTCTTTCTCTTCTC[C>T]AGACAGTAGGCTGTGCTTGGCTCTCTTTGGTTTGGGGCTCAACTTGGATGAATAATCATC-3'
Protein context (NP_003794.3, residues 116-136): PKRAKHSLLS[Gly126Arg]EEKENLPSDY